The following is an entry in ClinVar:

ClinVar aggregate classification (germline): Uncertain significance (1 of 4 stars; one submission).

Conditions:
CDH2-related disorder. Also called: CDH2-related condition.

Submission:

PreventionGenetics, part of Exact Sciences
Classification: Uncertain significance for CDH2-related condition. Last evaluated: 2025-09-29. Review status: criteria provided, single submitter. Criteria: ACMG Guidelines, 2015. Collection method: clinical testing. Allele origin: germline.
Comment: The CDH2 c.2120G>T variant is predicted to result in the amino acid substitution p.Gly707Val. To our knowledge, this variant has not been reported in the literature or in a large population database (gnomAD), indicating this variant is rare. At this time, the clinical significance of this variant is uncertain due to the absence of conclusive functional and genetic evidence.

NM_001792.5(CDH2):c.2120G>T (p.Gly707Val)

Gene: CDH2 (cadherin 2; minus strand). Cytogenetic location: 18q12.1.
Variant type: single nucleotide variant.
Coding change: c.2120G>T on transcript NM_001792.5 (MANE Select); coding-DNA position 2120, G replaced by T.
Protein change: p.Gly707Val; replaces glycine 707 with valine.
Molecular consequence: missense variant.
Genome position (GRCh38, 1-based): chr18:27,985,089, C>A on the plus strand (G>T on the coding strand, the complement: CDH2 is on the minus strand). VCF-style: chr18-27985089-C-A. GRCh37 (hg19) VCF-style: chr18-25565053-C-A.
Other names: c.2027G>T, p.Gly676Val (NM_001308176.2); short protein forms G676V, G707V.
Identifiers: ClinVar variation 4995094 (VCV004995094.1).